The following is an entry in ClinVar:

ClinVar aggregate classification (germline): Pathogenic. Review status: criteria provided, multiple submitters, no conflicts (2 of 4 stars). 2 submissions from 2 submitters: Pathogenic (2). Last evaluated 2022-12-06.

Conditions:
Fabry disease. Also called: Fabry's disease; ALPHA-GALACTOSIDASE A DEFICIENCY; ANDERSON-FABRY DISEASE; CERAMIDE TRIHEXOSIDASE DEFICIENCY; GLA DEFICIENCY; HEREDITARY DYSTOPIC LIPIDOSIS. Identifiers: Orphanet 324, MedGen C0002986, MONDO:0010526, OMIM 301500, HP:0001071. Disease mechanism: Fabry disease is due to inactivating mutations in the X-linked GLA gene resulting in deficiency of the enzyme Alpha Galactosidase-A., loss of function.

Submissions (2):

Labcorp Genetics (formerly Invitae), Labcorp
Classification: Pathogenic for Fabry disease. Last evaluated: 2022-12-06. Review status: criteria provided, single submitter. Criteria: Invitae Variant Classification Sherloc (09022015). Collection method: clinical testing. Allele origin: germline.
Comment: This sequence change replaces methionine, which is neutral and non-polar, with isoleucine, which is neutral and non-polar, at codon 296 of the GLA protein (p.Met296Ile). This variant is not present in population databases (gnomAD no frequency). For these reasons, this variant has been classified as Pathogenic. This missense change has been observed in individual(s) with Fabry disease (PMID: 7596372, 12911529). ClinVar contains an entry for this variant (Variation ID: 1396452). Advanced modeling of protein sequence and biophysical properties (such as structural, functional, and spatial information, amino acid conservation, physicochemical variation, residue mobility, and thermodynamic stability) performed at Invitae indicates that this missense variant is not expected to disrupt GLA protein function. Experimental studies have shown that this missense change affects GLA function (PMID: 7596372). This variant disrupts the p.Met296 amino acid residue in GLA. Other variant(s) that disrupt this residue have been determined to be pathogenic (PMID: 27560961; Invitae). This suggests that this residue is clinically significant, and that variants that disrupt this residue are likely to be disease-causing.

Fulgent Genetics
Classification: Pathogenic for Fabry disease. Last evaluated: 2021-09-30. Review status: criteria provided, single submitter. Criteria: ACMG Guidelines, 2015. Collection method: clinical testing. Allele origin: unknown.

Literature cited by the submitters: PubMed 7596372 (cited by Labcorp Genetics (formerly Invitae), Labcorp); PubMed 12911529 (cited by Labcorp Genetics (formerly Invitae), Labcorp); PubMed 27560961 (cited by Labcorp Genetics (formerly Invitae), Labcorp).

NM_000169.3(GLA):c.888G>T (p.Met296Ile)

Genes: GLA (galactosidase alpha; minus strand), RPL36A-HNRNPH2 (RPL36A-HNRNPH2 readthrough; plus strand). Cytogenetic location: Xq22.1.
Variant type: single nucleotide variant.
Coding change: c.888G>T on transcript NM_000169.3 (MANE Select); coding-DNA position 888, G replaced by T.
Protein change: p.Met296Ile; replaces methionine 296 with isoleucine.
Molecular consequence: missense variant. On other transcripts: non-coding transcript variant (3), intron variant (2).
Genome position (GRCh38, 1-based): chrX:101,398,481, C>A on the plus strand (G>T on the coding strand, the complement: GLA is on the minus strand). VCF-style: chrX-101398481-C-A. GRCh37 (hg19) VCF-style: chrX-100653469-C-A.
Other names: c.1011G>T, p.Met337Ile (NM_001406747.1); c.888G>T, p.Met296Ile (NM_001406748.1); c.300+3024C>A (NM_001199973.2); c.177+6659C>A (NM_001199974.2); short protein forms M296I, M337I.
Identifiers: ClinVar variation 1396452 (VCV001396452.7), dbSNP rs104894846, ClinGen allele CA413922414.